The following is an entry in ClinVar:

ClinVar aggregate classification (germline): Uncertain significance (1 of 4 stars; one submission).

Allele frequency attached by ClinVar (database versions not stated): TOPMed below 0.00001 and 0.00001; gnomAD exomes 0.00002; ExAC 0.00002.
gnomAD v4.1: 12 of 1,613,870 alleles (0.00074%); highest among the groups gnomAD compares: East Asian, 0.0067%; no homozygotes.

Submission:

GeneDx
Classification: Uncertain significance. Last evaluated: 2014-04-18. Review status: criteria provided, single submitter. Criteria: GeneDx Variant Classification (06012015). Collection method: clinical testing. Allele origin: germline. Affected: yes.
Comment: p.Arg95Trp (CGG>TGG): c.283 C>T in exon 2 of the ALDH1B1 gene (NM_000692.4). The R95W variant has not been published as a mutation, nor has it been reported as a benign polymorphism to our knowledge. The R95W variant is a non-conservative amino acid substitution, which is likely to impact secondary protein structure as these residues differ in polarity, charge, size and/or other properties. This substitution occurs at a position that is not conserved across species. In silico analysis is inconsistent in its predictions as to whether or not the variant is damaging to the protein structure/function. Therefore, based on the currently available information, it is unclear whether this variant is a pathogenic mutation or a rare benign variant. The variant is found in MITONUC-MITOP panel(s).

NM_000692.5(ALDH1B1):c.283C>T (p.Arg95Trp)

Gene: ALDH1B1 (aldehyde dehydrogenase 1 family member B1; plus strand). Cytogenetic location: 9p13.1.
Variant type: single nucleotide variant.
Coding change: c.283C>T on transcript NM_000692.5 (MANE Select); coding-DNA position 283, C replaced by T.
Protein change: p.Arg95Trp; replaces arginine 95 with tryptophan.
Molecular consequence: missense variant.
Genome position (GRCh38, 1-based): chr9:38,396,031, C>T. VCF-style: chr9-38396031-C-T. GRCh37 (hg19) VCF-style: chr9-38396028-C-T.
Other names: p.R95W:CGG>TGG; short protein forms R95W.
Identifiers: ClinVar variation 214108 (VCV000214108.2), dbSNP rs144035060, ClinGen allele CA322445.
Genomic context (GRCh38, chr9:38,396,031, plus strand): 5'-GATGTGGATCGGGCCGTGAAAGCAGCCCGGGAAGCCTTCCGCCTGGGGTCCCCATGGCGC[C>T]GGATGGATGCCTCTGAGCGGGGCCGGCTGCTGAACCGCCTGGCAGACCTAGTGGAGCGGG-3'
Protein context (NP_000683.3, residues 85-105): EAFRLGSPWR[Arg95Trp]MDASERGRLL